The following is an entry in ClinVar:

ClinVar aggregate classification (germline): Uncertain significance (1 of 4 stars; one submission).

Allele frequency attached by ClinVar (database versions not stated): gnomAD 0.00001; TOPMed 0.00001; ExAC 0.00003; gnomAD exomes 0.00003.
gnomAD v4.1: 44 of 1,614,166 alleles (0.0027%); highest among the groups gnomAD compares: Middle Eastern, 0.033%; no homozygotes.

Submission:

Labcorp Genetics (formerly Invitae), Labcorp
Classification: Uncertain significance. Last evaluated: 2025-12-24. Review status: criteria provided, single submitter. Criteria: Invitae Variant Classification Sherloc (09022015). Collection method: clinical testing. Allele origin: germline.
Comment: This sequence change affects codon 639 of the MYLK3 mRNA. It is a 'silent' change, meaning that it does not change the encoded amino acid sequence of the MYLK3 protein. This variant is present in population databases (rs766101869, gnomAD 0.004%). This variant has not been reported in the literature in individuals affected with MYLK3-related conditions. ClinVar contains an entry for this variant (Variation ID: 1433863). Algorithms developed to predict the effect of sequence changes on RNA splicing suggest that this variant may create or strengthen a splice site. In summary, the available evidence is currently insufficient to determine the role of this variant in disease. Therefore, it has been classified as a Variant of Uncertain Significance.

NM_182493.3(MYLK3):c.1917G>A (p.Pro639=)

Gene: MYLK3 (myosin light chain kinase 3; minus strand). Cytogenetic location: 16q11.2.
Variant type: single nucleotide variant.
Coding change: c.1917G>A on transcript NM_182493.3 (MANE Select); coding-DNA position 1917, G replaced by A.
Protein change: p.Pro639=; no amino-acid change (proline 639 retained).
Molecular consequence: synonymous variant.
Genome position (GRCh38, 1-based): chr16:46,721,191, C>T on the plus strand (G>A on the coding strand, the complement: MYLK3 is on the minus strand). VCF-style: chr16-46721191-C-T. GRCh37 (hg19) VCF-style: chr16-46755103-C-T.
Other names: c.894G>A, p.Pro298= (NM_001308301.1).
Identifiers: ClinVar variation 1433863 (VCV001433863.7), dbSNP rs766101869, ClinGen allele CA8037795.